The following is an entry in ClinVar:

NM_003002.4(SDHD):c.290C>T (p.Ala97Val)

Gene: SDHD (succinate dehydrogenase complex subunit D; plus strand). Cytogenetic location: 11q23.1.
Variant type: single nucleotide variant.
Coding change: c.290C>T on transcript NM_003002.4 (MANE Select); coding-DNA position 290, C replaced by T.
Protein change: p.Ala97Val; replaces alanine 97 with valine.
Molecular consequence: missense variant. On other transcripts: non-coding transcript variant (1), intron variant (1).
Genome position (GRCh38, 1-based): chr11:112,088,987, C>T. VCF-style: chr11-112088987-C-T. GRCh37 (hg19) VCF-style: chr11-111959711-C-T.
Other names: c.173C>T, p.Ala58Val (NM_001276504.2); c.290C>T, p.Ala97Val (NM_001276506.2); c.169+1014C>T (NM_001276503.2); short protein forms A97V, A58V.
Identifiers: ClinVar variation 533788 (VCV000533788.15), dbSNP rs756533450, ClinGen allele CA071022.
Genomic context (GRCh38, chr11:112,088,987, plus strand): 5'-TGGGTCTGCTTCCGGCTGCTTATTTGAATCCTTGCTCTGCGATGGACTATTCCCTGGCTG[C>T]AGCCCTCACTCTTCATGGTCACTGGCAAGTATAGCAATTCCAAATATAGTTGTCTGCTCA-3'
Protein context (NP_002993.1, residues 87-107): PCSAMDYSLA[Ala97Val]ALTLHGHWGL

ClinVar aggregate classification (germline): Uncertain significance. Review status: criteria provided, multiple submitters, no conflicts (2 of 4 stars). 3 submissions from 3 submitters: Uncertain significance (3). Last evaluated 2025-11-03.

Conditions:
Carney-Stratakis syndrome. Also called: PARAGANGLIOMA AND GASTROINTESTINAL STROMAL TUMOR. Identifiers: Orphanet 97286, MedGen C1847319, MONDO:0011740, OMIM 606864.
Paragangliomas with sensorineural hearing loss. Identifiers: MedGen C1868633.
Cowden syndrome 3 (CWS3). Identifiers: Orphanet 201, MedGen CN166604, MONDO:0014045.
Pheochromocytoma. Also called: MAX-Related Hereditary Paraganglioma-Pheochromocytoma Syndrome. Identifiers: Orphanet 29072, MedGen C0031511, MONDO:0008233, OMIM 171300, HP:0002666.
Hereditary pheochromocytoma and paraganglioma. Also called: Hereditary Paraganglioma-Pheochromocytoma Syndromes; Hereditary paragangliomas and pheochromocytomas; Hereditary pheochromocytoma-paraganglioma. Identifiers: Orphanet 29072, MedGen C4274332, MONDO:0017366.
Hereditary cancer-predisposing syndrome. Also called: Neoplastic Syndromes, Hereditary; Hereditary Cancer Syndrome; Tumor predisposition; Hereditary neoplastic syndrome. Identifiers: Orphanet 140162, MedGen C0027672, MeSH D009386, MONDO:0015356.

Allele frequency attached by ClinVar (database versions not stated): gnomAD exomes below 0.00001 and 0.00001; ExAC 0.00001.

Submissions (3):

Labcorp Genetics (formerly Invitae), Labcorp
Classification: Uncertain significance for Carney-Stratakis syndrome; Paragangliomas with sensorineural hearing loss; Pheochromocytoma; Cowden syndrome 3. Last evaluated: 2025-11-03. Review status: criteria provided, single submitter. Criteria: Invitae Variant Classification Sherloc (09022015). Collection method: clinical testing. Allele origin: germline.
Comment: This sequence change replaces alanine, which is neutral and non-polar, with valine, which is neutral and non-polar, at codon 97 of the SDHD protein (p.Ala97Val). This variant is present in population databases (rs756533450, gnomAD 0.0009%). This missense change has been observed in individual(s) with a pheochromocytoma (PMID: 24758185). ClinVar contains an entry for this variant (Variation ID: 533788). Invitae Evidence Modeling of protein sequence and biophysical properties (such as structural, functional, and spatial information, amino acid conservation, physicochemical variation, residue mobility, and thermodynamic stability) indicates that this missense variant is not expected to disrupt SDHD protein function with a negative predictive value of 80%. Experimental studies have shown that this missense change does not substantially affect SDHD function (PMID: 24758185). In summary, the available evidence is currently insufficient to determine the role of this variant in disease. Therefore, it has been classified as a Variant of Uncertain Significance.

Ambry Genetics
Classification: Uncertain significance for Hereditary cancer-predisposing syndrome. Last evaluated: 2023-11-20. Review status: criteria provided, single submitter. Criteria: Ambry Variant Classification Scheme 2023. Collection method: clinical testing. Allele origin: germline.
Comment: The p.A97V variant (also known as c.290C>T), located in coding exon 3 of the SDHD gene, results from a C to T substitution at nucleotide position 290. The alanine at codon 97 is replaced by valine, an amino acid with similar properties. This alteration has been identified in an individual with a personal history of pheochromocytoma; however, functional studies demonstrated normal expression, immunohistochemistry, SDH enzymatic assay, and succinate/fumarate concentration ratio in the tumor (Canu L et al. J Clin Endocrinol Metab, 2014 Jul;99:2321-6; Richter S et al. Genet Med, 2019 Mar;21:705-717). This amino acid position is highly conserved in available vertebrate species. In addition, this alteration is predicted to be deleterious by in silico analysis. Since supporting evidence is limited at this time, the clinical significance of this alteration remains unclear.

All of Us Research Program, National Institutes of Health
Classification: Uncertain significance for Hereditary pheochromocytoma and paraganglioma. Last evaluated: 2023-06-26. Review status: criteria provided, single submitter. Criteria: ACMG Guidelines, 2015. Collection method: clinical testing. Allele origin: germline. Inheritance: Autosomal dominant inheritance. Observed: 1 variant allele, 1 heterozygote.
Comment: This missense variant replaces alanine with valine at codon 97 of the SDHD protein. Computational prediction is inconclusive regarding the impact of this variant on protein structure and function (internally defined REVEL score threshold 0.5 < inconclusive < 0.7, PMID: 27666373). To our knowledge, functional studies have not been reported for this variant. This variant has been reported in an individual affected with pheochromocytoma PCC). However, the tumor in this patient showed SDH activity and succinate to fumarate ratio resembled that of a wild-type tumor (PMID: 24758185). This variant has been identified in 1/251488 chromosomes in the general population by the Genome Aggregation Database (gnomAD). The available evidence is insufficient to determine the role of this variant in disease conclusively. Therefore, this variant is classified as a Variant of Uncertain Significance.

This study involves interpretation of variants in research participants for the purpose of population health screening. Participant phenotype was not available at the time of variant classification. Additional details can be found in publication PMID: 35346344, PMCID: PMC8962531

Literature cited by the submitters: PubMed 24758185 (cited by 3 submitters); PubMed 30050099 (cited by Ambry Genetics).